The following is an entry in ClinVar:

NM_014423.4(AFF4):c.1389+9G>C

Gene: AFF4 (ALF transcription elongation factor 4; minus strand). Cytogenetic location: 5q31.1.
Variant type: single nucleotide variant.
Coding change: c.1389+9G>C on transcript NM_014423.4 (MANE Select); 9 bases into the intron after coding-DNA position 1389, G replaced by C.
Molecular consequence: intron variant.
Genome position (GRCh38, 1-based): chr5:132,898,221, C>G on the plus strand (G>C on the coding strand, the complement: AFF4 is on the minus strand). VCF-style: chr5-132898221-C-G. GRCh37 (hg19) VCF-style: chr5-132233913-C-G.
Identifiers: ClinVar variation 3046550 (VCV003046550.2), dbSNP rs1209291017, ClinGen allele CA562782081.
Genomic context (GRCh38, chr5:132,898,221, plus strand): 5'-GGTTTTAAATGGACATCACCAAGGACCCTGAGAGGGCCTGTGGAAGGTACCCCACCGCCT[C>G]TGTCTCACCTCGGGAGATGCACTCTGGGATGGCTCATTTGCCTCACTGTCACTGGAACTA-3'

ClinVar aggregate classification (germline): Likely benign (0 of 4 stars; one submission).

Conditions:
AFF4-related disorder. Also called: AFF4-related condition.

Allele frequency attached by ClinVar (database versions not stated): TOPMed below 0.00001; gnomAD exomes 0.00001.
gnomAD v4.1: 3 of 1,614,052 alleles (0.00019%); highest among the groups gnomAD compares: Admixed American, 0.0033%; no homozygotes.

Submission:

PreventionGenetics, part of Exact Sciences
Classification: Likely benign for AFF4-related condition. Last evaluated: 2021-10-29. Review status: no assertion criteria provided. Collection method: clinical testing. Allele origin: germline.
Comment: This variant is classified as likely benign based on ACMG/AMP sequence variant interpretation guidelines (Richards et al. 2015 PMID: 25741868, with internal and published modifications).